The following is an entry in ClinVar:

ClinVar aggregate classification (germline): Benign/Likely benign. Review status: criteria provided, multiple submitters, no conflicts (2 of 4 stars). 3 submissions from 3 submitters: Benign (1); Likely benign (2). Last evaluated 2025-01-10.

Conditions:
Hereditary cancer-predisposing syndrome. Also called: Neoplastic Syndromes, Hereditary; Tumor predisposition; Hereditary neoplastic syndrome; Hereditary Cancer Syndrome. Identifiers: Orphanet 140162, MedGen C0027672, MeSH D009386, MONDO:0015356.
Familial cancer of breast. Also called: BREAST CANCER, FAMILIAL; Hereditary breast cancer; hereditary breast carcinoma. Identifiers: Orphanet 227535, MedGen C0346153, MONDO:0016419, OMIM 114480. Disease mechanism: loss of function.

Submissions (3):

Myriad Genetics, Inc.
Classification: Benign for Familial cancer of breast. Last evaluated: 2025-01-10. Review status: criteria provided, single submitter. Criteria: Myriad Autosomal Dominant, Autosomal Recessive and X-Linked Classification Criteria (2023). Collection method: clinical testing. Allele origin: unknown.
Comment: This variant is considered benign. This variant is a silent/synonymous amino acid change and it is not expected to impact splicing.

Labcorp Genetics (formerly Invitae), Labcorp
Classification: Likely benign for Familial cancer of breast. Last evaluated: 2022-07-12. Review status: criteria provided, single submitter. Criteria: Invitae Variant Classification Sherloc (09022015). Collection method: clinical testing. Allele origin: germline.

Ambry Genetics
Classification: Likely benign for Hereditary cancer-predisposing syndrome. Last evaluated: 2019-05-13. Review status: criteria provided, single submitter. Criteria: Ambry Variant Classification Scheme 2023. Collection method: clinical testing. Allele origin: germline.

NM_024675.4(PALB2):c.748T>C (p.Leu250=)

Gene: PALB2 (partner and localizer of BRCA2; minus strand). Cytogenetic location: 16p12.2.
Variant type: single nucleotide variant.
Coding change: c.748T>C on transcript NM_024675.4 (MANE Select); coding-DNA position 748, T replaced by C.
Protein change: p.Leu250=; no amino-acid change (leucine 250 retained).
Molecular consequence: synonymous variant.
Genome position (GRCh38, 1-based): chr16:23,635,798, A>G on the plus strand (T>C on the coding strand, the complement: PALB2 is on the minus strand). VCF-style: chr16-23635798-A-G. GRCh37 (hg19) VCF-style: chr16-23647119-A-G.
Identifiers: ClinVar variation 827080 (VCV000827080.15), dbSNP rs1597098419, ClinGen allele CA494461640.